The following is an entry in ClinVar:

ClinVar aggregate classification (germline): Pathogenic (1 of 4 stars; one submission).

Submission:

Labcorp Genetics (formerly Invitae), Labcorp
Classification: Pathogenic. Last evaluated: 2023-11-08. Review status: criteria provided, single submitter. Criteria: Invitae Variant Classification Sherloc (09022015). Collection method: clinical testing. Allele origin: germline.
Comment: This sequence change creates a premature translational stop signal (p.Lys434Serfs*6) in the TBCE gene. It is expected to result in an absent or disrupted protein product. Loss-of-function variants in TBCE are known to be pathogenic (PMID: 27666369, 34134906, 34356170). This variant is present in population databases (rs775360097, gnomAD 0.0009%). This variant has not been reported in the literature in individuals affected with TBCE-related conditions. For these reasons, this variant has been classified as Pathogenic.

Literature cited by the submitters: PubMed 27666369; PubMed 34134906; PubMed 34356170.

NM_003193.5(TBCE):c.1301_1307del (p.Lys434fs)

Genes: B3GALNT2 (beta-1,3-N-acetylgalactosaminyltransferase 2; minus strand), TBCE (tubulin folding cofactor E; plus strand). Cytogenetic location: 1q42.3.
Variant type: Deletion.
Coding change: c.1301_1307del on transcript NM_003193.5 (MANE Select); coding-DNA positions 1301 to 1307, 7 bases deleted (AAACACA; older notation c.1301_1307delAAACACA).
Protein change: p.Lys434fs; shifts the reading frame from lysine 434.
Molecular consequence: frameshift variant.
Genome position (GRCh38, 1-based): chr1:235,441,844-235,441,850, AAACACA deleted; deleting any 7 consecutive bases within chr1:235,441,842-235,441,850 gives the same sequence; the c. name uses the placement nearest the transcript's 3' end. VCF-style (leftmost placement, unchanged base first): chr1-235441841-TCAAAACA-T. GRCh37 (hg19) VCF-style: chr1-235605156-TCAAAACA-T.
Other names: c.1301_1307del, p.Lys434fs (NM_001079515.3); c.1454_1460del, p.Lys485fs (NM_001287801.2); c.962_968del, p.Lys321fs (NM_001287802.2); short protein forms K321fs, K485fs, K434fs.
Identifiers: ClinVar variation 2796220 (VCV002796220.3), dbSNP rs775360097, ClinGen allele CA1464413.